The following is an entry in ClinVar:

ClinVar aggregate classification (germline): Uncertain significance (1 of 4 stars; one submission).

Conditions:
Severe X-linked myotubular myopathy (CNMX). Also called: MYOTUBULAR MYOPATHY 1; X-linked centronuclear myopathy; Myotubular myopathy, X-linked. Identifiers: Orphanet 596, MedGen C0410203, MONDO:0010683, OMIM 310400.

Submission:

Labcorp Genetics (formerly Invitae), Labcorp
Classification: Uncertain significance for Severe X-linked myotubular myopathy. Last evaluated: 2022-09-13. Review status: criteria provided, single submitter. Criteria: Invitae Variant Classification Sherloc (09022015). Collection method: clinical testing. Allele origin: germline.
Comment: This sequence change replaces asparagine, which is neutral and polar, with threonine, which is neutral and polar, at codon 578 of the MTM1 protein (p.Asn578Thr). In summary, the available evidence is currently insufficient to determine the role of this variant in disease. Therefore, it has been classified as a Variant of Uncertain Significance. Advanced modeling of protein sequence and biophysical properties (such as structural, functional, and spatial information, amino acid conservation, physicochemical variation, residue mobility, and thermodynamic stability) performed at Invitae indicates that this missense variant is not expected to disrupt MTM1 protein function. This variant has not been reported in the literature in individuals affected with MTM1-related conditions. This variant is not present in population databases (gnomAD no frequency).

NM_000252.3(MTM1):c.1733A>C (p.Asn578Thr)

Gene: MTM1 (myotubularin 1; plus strand). Cytogenetic location: Xq28.
Variant type: single nucleotide variant.
Coding change: c.1733A>C on transcript NM_000252.3 (MANE Select); coding-DNA position 1733, A replaced by C.
Protein change: p.Asn578Thr; replaces asparagine 578 with threonine.
Molecular consequence: missense variant.
Genome position (GRCh38, 1-based): chrX:150,671,516, A>C. VCF-style: chrX-150671516-A-C. GRCh37 (hg19) VCF-style: chrX-149839989-A-C.
Other names: c.1730A>C, p.Asn577Thr (NM_001376906.1); c.1622A>C, p.Asn541Thr (NM_001376907.1); c.1733A>C, p.Asn578Thr (NM_001376908.1); short protein forms N577T, N578T, N541T.
Identifiers: ClinVar variation 2012588 (VCV002012588.4), dbSNP rs2522491383, ClinGen allele CA415023364.